The following is an entry in ClinVar:

ClinVar aggregate classification (germline): Uncertain significance (1 of 4 stars; one submission).

Conditions:
Aicardi-Goutieres syndrome 5. Identifiers: Orphanet 51, MedGen C2749659, MONDO:0013059, OMIM 612952.

Allele frequency attached by ClinVar (database versions not stated): gnomAD exomes 0.00001; gnomAD 0.00002; TOPMed 0.00002; ExAC 0.00003.

Submissions (2):

Labcorp Genetics (formerly Invitae), Labcorp
Classification: Uncertain significance for Aicardi-Goutieres syndrome 5. Last evaluated: 2025-06-16. Review status: criteria provided, single submitter. Criteria: Invitae Variant Classification Sherloc (09022015). Collection method: clinical testing. Allele origin: germline.
Comment: This sequence change replaces aspartic acid, which is acidic and polar, with asparagine, which is neutral and polar, at codon 344 of the SAMHD1 protein (p.Asp344Asn). This variant is present in population databases (rs765062025, gnomAD 0.02%). This variant has not been reported in the literature in individuals affected with SAMHD1-related conditions. ClinVar contains an entry for this variant (Variation ID: 2150513). Invitae Evidence Modeling of protein sequence and biophysical properties (such as structural, functional, and spatial information, amino acid conservation, physicochemical variation, residue mobility, and thermodynamic stability) indicates that this missense variant is not expected to disrupt SAMHD1 protein function with a negative predictive value of 95%. In summary, the available evidence is currently insufficient to determine the role of this variant in disease. Therefore, it has been classified as a Variant of Uncertain Significance.

Dr. Peter K. Rogan Lab, Western University
No classification provided (evidence only). Condition: Familial cancer of breast. Review status: no classification provided. Collection method: in vitro. Allele origin: not applicable. Functional consequence: retained intron. Not counted in ClinVar's aggregate classification.

NM_015474.4(SAMHD1):c.1030G>A (p.Asp344Asn)

Gene: SAMHD1 (SAM and HD domain containing deoxynucleoside triphosphate triphosphohydrolase 1; minus strand). Cytogenetic location: 20q11.23.
Variant type: single nucleotide variant.
Coding change: c.1030G>A on transcript NM_015474.4 (MANE Select); coding-DNA position 1030, G replaced by A.
Protein change: p.Asp344Asn; replaces aspartic acid 344 with asparagine.
Molecular consequence: missense variant.
Genome position (GRCh38, 1-based): chr20:36,916,754, C>T on the plus strand (G>A on the coding strand, the complement: SAMHD1 is on the minus strand). VCF-style: chr20-36916754-C-T. GRCh37 (hg19) VCF-style: chr20-35545157-C-T.
Other names: c.1030G>A, p.Asp344Asn (NM_001363729.2, NM_001363733.2); short protein forms D344N.
Identifiers: ClinVar variation 2150513 (VCV002150513.3), dbSNP rs765062025, ClinGen allele CA9844604.